The following is an entry in ClinVar:

NM_001849.4(COL6A2):c.2856G>T (p.Thr952=)

Gene: COL6A2 (collagen type VI alpha 2 chain; plus strand). Cytogenetic location: 21q22.3.
Variant type: single nucleotide variant.
Coding change: c.2856G>T on transcript NM_001849.4 (MANE Select); coding-DNA position 2856, G replaced by T.
Protein change: p.Thr952=; no amino-acid change (threonine 952 retained).
Molecular consequence: synonymous variant.
Genome position (GRCh38, 1-based): chr21:46,132,348, G>T. VCF-style: chr21-46132348-G-T. GRCh37 (hg19) VCF-style: chr21-47552262-G-T.
Identifiers: ClinVar variation 3053932 (VCV003053932.2), dbSNP rs138074469, ClinGen allele CA513170910.

ClinVar aggregate classification (germline): Likely benign (0 of 4 stars; one submission).

Conditions:
COL6A2-related disorder.

Submission:

PreventionGenetics, part of Exact Sciences
Classification: Likely benign for COL6A2-related condition. Last evaluated: 2020-05-08. Review status: no assertion criteria provided. Collection method: clinical testing. Allele origin: germline.
Comment: This variant is classified as likely benign based on ACMG/AMP sequence variant interpretation guidelines (Richards et al. 2015 PMID: 25741868, with internal and published modifications).